The following is an entry in ClinVar:

NM_000260.4(MYO7A):c.562C>G (p.Gln188Glu)

Gene: MYO7A (myosin VIIA; plus strand). Cytogenetic location: 11q13.5.
Variant type: single nucleotide variant.
Coding change: c.562C>G on transcript NM_000260.4 (MANE Select); coding-DNA position 562, C replaced by G.
Protein change: p.Gln188Glu; replaces glutamine 188 with glutamic acid.
Molecular consequence: missense variant.
Genome position (GRCh38, 1-based): chr11:77,156,751, C>G. VCF-style: chr11-77156751-C-G. GRCh37 (hg19) VCF-style: chr11-76867797-C-G.
Other names: c.562C>G, p.Gln188Glu (NM_001127180.2); c.529C>G, p.Gln177Glu (NM_001369365.1); short protein forms Q188E, Q177E.
Identifiers: ClinVar variation 306161 (VCV000306161.23), dbSNP rs572959359, ClinGen allele CA6197170.

ClinVar aggregate classification (germline): Conflicting classifications of pathogenicity. Review status: criteria provided, conflicting classifications (1 of 4 stars). 9 submissions from 7 submitters: Uncertain significance (7); Likely benign (1). 1 of the submissions does not count toward it. Last evaluated 2025-06-24.

Conditions:
Usher syndrome type 1 (USH1). Also called: RETINITIS PIGMENTOSA AND CONGENITAL DEAFNESS. Identifiers: Orphanet 231169, Orphanet 886, MedGen C1568247, MONDO:0010168, OMIM 276900.
Autosomal dominant nonsyndromic hearing loss 11. Identifiers: Orphanet 90635, MedGen C1832475, MONDO:0011032, OMIM 601317.
Autosomal recessive nonsyndromic hearing loss 2. Also called: DEAFNESS, AUTOSOMAL RECESSIVE 2; NEUROSENSORY NONSYNDROMIC RECESSIVE DEAFNESS 2. Identifiers: Orphanet 90636, MedGen C1838701, MONDO:0010807, OMIM 600060.
MYO7A-related disorder. Also called: MYO7A-related disorders.
Usher syndrome type 1B (USH1B). Also called: Usher syndrome type IB. Identifiers: MedGen C1848638, MONDO:0700087.

Allele frequency attached by ClinVar (database versions not stated): gnomAD 0.00003; gnomAD exomes 0.00003 and 0.00004; TOPMed 0.00003; ExAC 0.00005; 1000 Genomes Project 30x 0.00016; 1000 Genomes Project 0.00020.

Submissions (9):

GeneDx
Classification: Uncertain significance. Last evaluated: 2025-06-24. Review status: criteria provided, single submitter. Criteria: GeneDx Variant Classification Process June 2021. Collection method: clinical testing. Allele origin: germline. Affected: yes.
Comment: Reported in the heterozygous state in unrelated patients with Usher syndrome and/or hearing loss in published literature; of note, clinical information was limited for both patients (PMID: 29625443, 30896630, 38456936); In silico analysis supports that this missense variant has a deleterious effect on protein structure/function; This variant is associated with the following publications: (PMID: 23226338, 29625443, 26338283, 30896630, 38456936, 34599366)

PreventionGenetics, part of Exact Sciences
Classification: Uncertain significance for MYO7A-related condition. Last evaluated: 2025-03-27. Review status: criteria provided, single submitter. Criteria: ACMG Guidelines, 2015. Collection method: clinical testing. Allele origin: germline.
Comment: The MYO7A c.562C>G variant is predicted to result in the amino acid substitution p.Gln188Glu. This variant was reported in heterozygous state in an individual with hearing loss (Table S5, Sun et al. 2018. PubMed ID: 29625443; Sun et al. 2019. PubMed ID: 30896630). It was also observed in a family with autosomal recessive hearing loss, along with another variant in TRIOBP gene (Family 25215 in Table S2, Diaz-Horta et al. 2012. PubMed ID: 23226338). This variant is reported in 0.051% of alleles in individuals of East Asian descent in gnomAD. At this time, the clinical significance of this variant is uncertain due to the absence of conclusive functional and genetic evidence.

Labcorp Genetics (formerly Invitae), Labcorp
Classification: Likely benign. Last evaluated: 2025-01-27. Review status: criteria provided, single submitter. Criteria: Invitae Variant Classification Sherloc (09022015). Collection method: clinical testing. Allele origin: germline.

Blueprint Genetics
Classification: Uncertain significance. Last evaluated: 2024-10-23. Review status: criteria provided, single submitter. Criteria: ACMG Guidelines, 2015. Collection method: clinical testing. Allele origin: germline.

Illumina Laboratory Services, Illumina
Classification: Uncertain significance for Autosomal recessive nonsyndromic hearing loss 2. Last evaluated: 2018-01-13. Review status: criteria provided, single submitter. Criteria: ICSL Variant Classification Criteria 13 December 2019. Collection method: clinical testing. Allele origin: germline.

Illumina Laboratory Services, Illumina
Classification: Uncertain significance for Autosomal dominant nonsyndromic hearing loss 11. Last evaluated: 2018-01-13. Review status: criteria provided, single submitter. Criteria: ICSL Variant Classification Criteria 13 December 2019. Collection method: clinical testing. Allele origin: germline.

Illumina Laboratory Services, Illumina
Classification: Uncertain significance for Usher syndrome type 1. Last evaluated: 2018-01-13. Review status: criteria provided, single submitter. Criteria: ICSL Variant Classification Criteria 13 December 2019. Collection method: clinical testing. Allele origin: germline.

Laboratory for Molecular Medicine, Mass General Brigham Personalized Medicine
Classification: Uncertain significance. Last evaluated: 2016-07-19. Review status: criteria provided, single submitter. Criteria: LMM Criteria. Collection method: clinical testing. Allele origin: germline. Observed: 1 variant allele.
Comment: The p.Gln188Glu variant in MYO7A has not been previously reported in individuals with hearing loss or Usher syndrome, but it has been identified in 0.1% (6/8624 ) of East Asian chromosomes by the Exome Aggregation Consortium (ExAC; dbSNP rs572959359); however, its frequency is not high en ough to rule out a pathogenic role. Computational prediction tools and conservat ion analyses suggest that this variant may impact the protein, though this infor mation is not predictive enough to determine pathogenicity. In summary, the clin ical significance of the p.Gln188Glu variant is uncertain.

Natera, Inc.
Classification: Uncertain significance for Usher syndrome type 1B. Last evaluated: 2020-02-07. Review status: no assertion criteria provided. Collection method: clinical testing. Allele origin: germline. Not counted in ClinVar's aggregate classification.

Literature cited by the submitters: PubMed 23226338 (cited by Laboratory for Molecular Medicine, Mass General Brigham Personalized Medicine).